The following is an entry in ClinVar:

NM_015443.4(KANSL1):c.531_540del (p.Gly179fs)

Gene: KANSL1 (KAT8 regulatory NSL complex subunit 1). Cytogenetic location: 17q21.31.
Variant type: Deletion.
Coding change: c.531_540del on transcript NM_015443.4 (MANE Select); coding-DNA positions 531 to 540, 10 bases deleted.
Protein change: p.Gly179fs; shifts the reading frame from glycine 179.
Molecular consequence: frameshift variant.
Genome position: GRCh38 VCF-style: chr17-46171603-GTTTTCCCCCA-G. GRCh37 (hg19) VCF-style: chr17-44248969-GTTTTCCCCCA-G.
Other names: c.531_540del, p.Gly179fs (NM_001193465.2, NM_001193466.2, NM_001379198.1); short protein forms G179fs.
Identifiers: ClinVar variation 561035 (VCV000561035.2), dbSNP rs1567763809, ClinGen allele CA658823964.

ClinVar aggregate classification (germline): Uncertain significance (1 of 4 stars; one submission).

Conditions:
Koolen-de Vries syndrome (KDVS). Identifiers: Orphanet 96169, MedGen C1864871, MONDO:0012496, OMIM 610443.

Submission:

Baylor Genetics
Classification: Uncertain significance for Koolen-de Vries syndrome. Last evaluated: 2017-09-01. Review status: criteria provided, single submitter. Criteria: ACMG Guidelines, 2015. Collection method: clinical testing. Allele origin: germline. Inheritance: Autosomal dominant inheritance. Affected: yes.
Comment: However, inheritance was not determined, and of note, the promoter and 5' exons of KANSL1 can be partially duplicated in some individuals. Exome and Sanger data could not distinguish if this change is located in the real KANSL1 gene or the duplicated copy of the gene

Literature cited by the submitters: PubMed 25326635.